The following is an entry in ClinVar:

NM_001126108.2(SLC12A3):c.2037+1G>A

Gene: SLC12A3 (solute carrier family 12 member 3; plus strand). Cytogenetic location: 16q13.
Variant type: single nucleotide variant.
Coding change: c.2037+1G>A on transcript NM_001126108.2 (MANE Select); the canonical splice donor site of the intron after coding-DNA position 2037, G replaced by A.
Molecular consequence: splice donor variant.
Genome position (GRCh38, 1-based): chr16:56,886,476, G>A. VCF-style: chr16-56886476-G-A. GRCh37 (hg19) VCF-style: chr16-56920388-G-A.
Other names: c.2037+1G>A (NM_000339.3); c.2034+1G>A (NM_001126107.2, NM_001410896.1).
Identifiers: ClinVar variation 950991 (VCV000950991.20), dbSNP rs775799617, ClinGen allele CA8069693.

ClinVar aggregate classification (germline): Pathogenic. Review status: criteria provided, multiple submitters, no conflicts (2 of 4 stars). 7 submissions from 7 submitters: Pathogenic (7). Last evaluated 2025-03-24.

Conditions:
SLC12A3-related disorder. Also called: SLC12A3-related condition.
Familial hypokalemia-hypomagnesemia (GTLMNS). Also called: gitelman syndrome; POTASSIUM AND MAGNESIUM DEPLETION; HYPOMAGNESEMIA-HYPOKALEMIA, PRIMARY RENOTUBULAR, WITH HYPOCALCIURIA. Identifiers: Orphanet 358, MedGen C0268450, MONDO:0009904, OMIM 263800.

Allele frequency attached by ClinVar (database versions not stated): ExAC 0.00001; gnomAD exomes 0.00001 and 0.00002; gnomAD 0.00005; TOPMed 0.00005.
gnomAD v4.1: 19 of 1,612,416 alleles (0.0012%); highest among the groups gnomAD compares: African/African-American, 0.011%; no homozygotes.

Submissions (7):

Natera, Inc.
Classification: Pathogenic for Gitelman syndrome. Last evaluated: 2025-03-24. Review status: criteria provided, single submitter. Criteria: Natera Variant Classification Schema (03/2026). Collection method: clinical testing. Allele origin: germline.
Comment: The c.2037+1G>A variant in SLC12A3 is a canonical splice donor site variant predicted to affect pre-mRNA splicing, which may result in an abnormal transcript and altered protein product. This variant is expected to result in nonsense mediated decay, truncation, or a dysfunctional protein product. This variant is rare in the general population with a frequency below the threshold expected for the associated phenotype(s). This variant has been observed in one or more individuals affected with the associated recessive disease, as either homozygous or compound heterozygous with a second variant (PMID: 23328711). Functional studies show that this variant may disrupt protein function (PMID: 15069170). Given the available evidence, this variant is classified as Pathogenic.

Labcorp Genetics (formerly Invitae), Labcorp
Classification: Pathogenic. Last evaluated: 2024-06-26. Review status: criteria provided, single submitter. Criteria: Invitae Variant Classification Sherloc (09022015). Collection method: clinical testing. Allele origin: germline.
Comment: This sequence change affects a donor splice site in intron 16 of the SLC12A3 gene. It is expected to disrupt RNA splicing. Variants that disrupt the donor or acceptor splice site typically lead to a loss of protein function (PMID: 16199547), and loss-of-function variants in SLC12A3 are known to be pathogenic (PMID: 20848653, 22009145, 25841442). This variant is present in population databases (rs775799617, gnomAD 0.01%). Disruption of this splice site has been observed in individuals with Gitelman syndrome (PMID: 15069170, 23328711). ClinVar contains an entry for this variant (Variation ID: 950991). Algorithms developed to predict the effect of sequence changes on RNA splicing suggest that this variant may disrupt the consensus splice site. For these reasons, this variant has been classified as Pathogenic.

Women's Health and Genetics/Laboratory Corporation of America, LabCorp
Classification: Pathogenic for Familial hypokalemia-hypomagnesemia. Last evaluated: 2024-03-26. Review status: criteria provided, single submitter. Criteria: LabCorp Variant Classification Summary - May 2015. Collection method: clinical testing. Allele origin: germline.
Comment: Variant summary: SLC12A3 c.2037+1G>A is located in a canonical splice-site and is predicted to affect mRNA splicing resulting in a significantly altered protein due to either exon skipping, shortening, or inclusion of intronic material. Several computational tools predict a significant impact on normal splicing: Four predict the variant abolishes a 5' splicing donor site. At least one publication reports experimental evidence, confirming in patient derived cDNA sequence that that this variant affects mRNA splicing (Maki_2004). The variant allele was found at a frequency of 1.6e-05 in 250710 control chromosomes (gnomAD v2.1). c.2037+1G>A has been reported in the literature in individuals affected with Familial Hypokalemia-Hypomagnesemia (e.g. Maki_2004, Berry_2013). The following publications have been ascertained in the context of this evaluation (PMID: 15069170, 23328711). ClinVar contains an entry for this variant (Variation ID: 950991). Based on the evidence outlined above, the variant was classified as pathogenic.

Blueprint Genetics
Classification: Pathogenic for SLC12A3-related disorders. Last evaluated: 2023-05-17. Review status: criteria provided, single submitter. Criteria: ACMG Guidelines, 2015. Collection method: clinical testing. Allele origin: germline. Affected: yes. Observed: 4 variant alleles.

European Hospital Georges Pompidou Genetics Department, Assistance Publique - Hôpitaux de Paris AP-HP
Classification: Pathogenic for Familial hypokalemia-hypomagnesemia. Last evaluated: 2022-04-27. Review status: criteria provided, single submitter. Criteria: ACMG Guidelines, 2015. Collection method: clinical testing. Allele origin: germline. Affected: yes.
Comment: ACMG criteria used:PVS1 PM1 PM2 PP3

Fulgent Genetics
Classification: Pathogenic for Familial hypokalemia-hypomagnesemia. Last evaluated: 2021-11-08. Review status: criteria provided, single submitter. Criteria: ACMG Guidelines, 2015. Collection method: clinical testing. Allele origin: unknown.

Juno Genomics, Hangzhou Juno Genomics, Inc
Classification: Pathogenic for Familial hypokalemia-hypomagnesemia. Review status: criteria provided, single submitter. Criteria: ACMG Guidelines, 2015. Collection method: clinical testing. Allele origin: germline.
Comment: Absent from controls (or at extremely low frequency if recessive) in Genome Aggregation Database.;Null variant in a gene where loss of function (LOF) is a known mechanism of disease.;For recessive disorders, detected in trans with a pathogenic variant.

Literature cited by the submitters: PubMed 23328711 (cited by 3 submitters); PubMed 15069170 (cited by 3 submitters); PubMed 16199547 (cited by Labcorp Genetics (formerly Invitae), Labcorp); PubMed 20848653 (cited by Labcorp Genetics (formerly Invitae), Labcorp); PubMed 22009145 (cited by Labcorp Genetics (formerly Invitae), Labcorp); PubMed 25841442 (cited by Labcorp Genetics (formerly Invitae), Labcorp).